The following is an entry in ClinVar:

NM_001322934.2(NFKB2):c.538G>A (p.Glu180Lys)

Gene: NFKB2 (nuclear factor kappa B subunit 2; plus strand). Cytogenetic location: 10q24.32.
Variant type: single nucleotide variant.
Coding change: c.538G>A on transcript NM_001322934.2 (MANE Select); coding-DNA position 538, G replaced by A.
Protein change: p.Glu180Lys; replaces glutamic acid 180 with lysine.
Molecular consequence: missense variant.
Genome position (GRCh38, 1-based): chr10:102,397,562, G>A. VCF-style: chr10-102397562-G-A. GRCh37 (hg19) VCF-style: chr10-104157319-G-A.
Other names: c.538G>A, p.Glu180Lys (NM_001077493.1, NM_001077494.3, NM_001261403.3 and 3 more transcripts); short protein forms E180K.
Identifiers: ClinVar variation 1969422 (VCV001969422.5), dbSNP rs2544580470, ClinGen allele CA377896938.

ClinVar aggregate classification (germline): Uncertain significance (1 of 4 stars; one submission).

Conditions:
Immunodeficiency, common variable, 10. Also called: IMMUNODEFICIENCY, COMMON VARIABLE, WITH CENTRAL ADRENAL INSUFFICIENCY; DEFICIT IN ANTERIOR PITUITARY FUNCTION AND VARIABLE IMMUNODEFICIENCY. Identifiers: MedGen C3809991, MONDO:0014260, OMIM 615577.

Submission:

Labcorp Genetics (formerly Invitae), Labcorp
Classification: Uncertain significance for Immunodeficiency, common variable, 10. Last evaluated: 2021-12-19. Review status: criteria provided, single submitter. Criteria: Invitae Variant Classification Sherloc (09022015). Collection method: clinical testing. Allele origin: germline.
Comment: In summary, the available evidence is currently insufficient to determine the role of this variant in disease. Therefore, it has been classified as a Variant of Uncertain Significance. Algorithms developed to predict the effect of missense changes on protein structure and function are either unavailable or do not agree on the potential impact of this missense change (SIFT: "Deleterious"; PolyPhen-2: "Benign"; Align-GVGD: "Class C55"). This variant has not been reported in the literature in individuals affected with NFKB2-related conditions. This variant is not present in population databases (gnomAD no frequency). This sequence change replaces glutamic acid, which is acidic and polar, with lysine, which is basic and polar, at codon 180 of the NFKB2 protein (p.Glu180Lys).